The following is an entry in ClinVar:

NM_152703.5(SAMD9L):c.1991G>A (p.Cys664Tyr)

Gene: SAMD9L (sterile alpha motif domain containing 9 like; minus strand). Cytogenetic location: 7q21.2.
Variant type: single nucleotide variant.
Coding change: c.1991G>A on transcript NM_152703.5 (MANE Select); coding-DNA position 1991, G replaced by A.
Protein change: p.Cys664Tyr; replaces cysteine 664 with tyrosine.
Molecular consequence: missense variant.
Genome position (GRCh38, 1-based): chr7:93,133,981, C>T on the plus strand (G>A on the coding strand, the complement: SAMD9L is on the minus strand). VCF-style: chr7-93133981-C-T. GRCh37 (hg19) VCF-style: chr7-92763294-C-T.
Other names: c.1991G>A, p.Cys664Tyr (NM_001303496.3, NM_001303497.3, NM_001303498.3 and 5 more transcripts); short protein forms C664Y.
Identifiers: ClinVar variation 3792466 (VCV003792466.1).

ClinVar aggregate classification (germline): Uncertain significance (1 of 4 stars; one submission).

Conditions:
Inborn genetic diseases. Identifiers: MedGen C0950123, MeSH D030342.

gnomAD v4.1: 1 of 1,613,432 alleles (0.000062%); highest among the groups gnomAD compares: Admixed American, 0.0017%; no homozygotes.

Submission:

Ambry Genetics
Classification: Uncertain significance for Inborn genetic diseases. Last evaluated: 2025-02-28. Review status: criteria provided, single submitter. Criteria: Ambry Variant Classification Scheme 2023. Collection method: clinical testing. Allele origin: germline.
Comment: The p.C664Y variant (also known as c.1991G>A), located in coding exon 1 of the SAMD9L gene, results from a G to A substitution at nucleotide position 1991. The cysteine at codon 664 is replaced by tyrosine, an amino acid with highly dissimilar properties. This amino acid position is conserved. In addition, the in silico prediction for this alteration is inconclusive. Based on the available evidence, the clinical significance of this variant remains unclear.